The following is an entry in ClinVar:

ClinVar aggregate classification (germline): Pathogenic (1 of 4 stars; one submission).

Conditions:
Brachyolmia-amelogenesis imperfecta syndrome. Also called: PLATYSPONDYLY WITH AMELOGENESIS IMPERFECTA; Tooth agenesis, selective, 6; Dental anomalies and short stature. Identifiers: Orphanet 2899, MedGen C1832594, MONDO:0011018, OMIM 601216. Disease mechanism: loss of function.

Submission:

Labcorp Genetics (formerly Invitae), Labcorp
Classification: Pathogenic for Brachyolmia-amelogenesis imperfecta syndrome. Last evaluated: 2023-02-08. Review status: criteria provided, single submitter. Criteria: Invitae Variant Classification Sherloc (09022015). Collection method: clinical testing. Allele origin: germline.
Comment: This variant has not been reported in the literature in individuals affected with LTBP3-related conditions. This variant is not present in population databases (gnomAD no frequency). This sequence change creates a premature translational stop signal (p.His991Glnfs*2) in the LTBP3 gene. It is expected to result in an absent or disrupted protein product. Loss-of-function variants in LTBP3 are known to be pathogenic (PMID: 11790802, 19344874, 25669657). For these reasons, this variant has been classified as Pathogenic.

Literature cited by the submitters: PubMed 11790802; PubMed 19344874; PubMed 25669657.

NM_001130144.3(LTBP3):c.2973_2974del (p.His991fs)

Genes: LTBP3 (latent transforming growth factor beta binding protein 3; minus strand), LOC121832793 (Sharpr-MPRA regulatory region 4001; plus strand). Cytogenetic location: 11q13.1.
Variant type: Deletion.
Coding change: c.2973_2974del on transcript NM_001130144.3 (MANE Select); coding-DNA positions 2973 to 2974, 2 bases deleted (CC; older notation c.2973_2974delCC).
Protein change: p.His991fs; shifts the reading frame from histidine 991.
Molecular consequence: frameshift variant.
Genome position (GRCh38, 1-based): chr11:65,540,874-65,540,875, GG deleted on the plus strand (CC on the coding strand, the reverse complement: LTBP3 is on the minus strand). VCF-style (leftmost placement, unchanged base first): chr11-65540873-CGG-C. GRCh37 (hg19) VCF-style: chr11-65308344-CGG-C.
Other names: c.2622_2623del, p.His874fs (NM_001164266.1); c.2973_2974del, p.His991fs (NM_021070.4); short protein forms H874fs, H991fs.
Identifiers: ClinVar variation 2830179 (VCV002830179.3), dbSNP rs2496128459, ClinGen allele CA2739270531.